The following is an entry in ClinVar:

NM_005859.5(PURA):c.935_946del (p.Leu312_Glu316delinsGln)

Gene: PURA (purine rich element binding protein A; plus strand). Cytogenetic location: 5q31.3.
Variant type: Deletion.
Coding change: c.935_946del on transcript NM_005859.5 (MANE Select); coding-DNA positions 935 to 946, 12 bases deleted (TACTGCAGGGTG).
Protein change: p.Leu312_Glu316delinsGln.
Molecular consequence: inframe indel.
Genome position (GRCh38, 1-based): chr5:140,115,116-140,115,127, TACTGCAGGGTG deleted. VCF-style (leftmost placement, unchanged base first): chr5-140115115-CTACTGCAGGGTG-C. GRCh37 (hg19) VCF-style: chr5-139494700-CTACTGCAGGGTG-C.
Identifiers: ClinVar variation 3665104 (VCV003665104.2).

ClinVar aggregate classification (germline): Uncertain significance (1 of 4 stars; one submission).

Conditions:
PURA-related severe neonatal hypotonia-seizures-encephalopathy syndrome (NEDRIHF). Also called: PURA-Related Neurodevelopmental Disorders; NEURODEVELOPMENTAL DISORDER WITH NEONATAL RESPIRATORY INSUFFICIENCY, HYPOTONIA, AND FEEDING DIFFICULTIES. Identifiers: Orphanet 438213, Orphanet 438216, MedGen C4015357, MONDO:1060108, OMIM 616158, MONDO:0018580.

Submission:

Labcorp Genetics (formerly Invitae), Labcorp
Classification: Uncertain significance for PURA-related severe neonatal hypotonia-seizures-encephalopathy syndrome. Last evaluated: 2024-10-09. Review status: criteria provided, single submitter. Criteria: Invitae Variant Classification Sherloc (09022015). Collection method: clinical testing. Allele origin: germline.
Comment: This variant, c.935_946del, is a complex sequence change that results in the deletion of 5 and insertion of 1 amino acid(s) in the PURA protein (p.Leu312_Glu316delinsGln). This variant is not present in population databases (gnomAD no frequency). This variant has not been reported in the literature in individuals affected with PURA-related conditions. Experimental studies and prediction algorithms are not available or were not evaluated, and the functional significance of this variant is currently unknown. In summary, the available evidence is currently insufficient to determine the role of this variant in disease. Therefore, it has been classified as a Variant of Uncertain Significance.